The following is an entry in ClinVar:

ClinVar aggregate classification (germline): Uncertain significance (1 of 4 stars; one submission).

Conditions:
Cardiovascular phenotype. Identifiers: MedGen CN230736.

gnomAD v4.1: 3 of 1,614,030 alleles (0.00019%); highest among the groups gnomAD compares: Non-Finnish European, 0.00025%; no homozygotes.

Submission:

Ambry Genetics
Classification: Uncertain significance for Cardiovascular phenotype. Last evaluated: 2026-03-07. Review status: criteria provided, single submitter. Criteria: Ambry Variant Classification Scheme 2023. Collection method: clinical testing. Allele origin: germline.
Comment: The p.V409F variant (also known as c.1225G>T), located in coding exon 9 of the FKTN gene, results from a G to T substitution at nucleotide position 1225. The valine at codon 409 is replaced by phenylalanine, an amino acid with highly similar properties. This amino acid position is conserved. In addition, the in silico prediction for this alteration is inconclusive. Based on the available evidence, the clinical significance of this variant remains unclear.

NM_001079802.2(FKTN):c.1225G>T (p.Val409Phe)

Gene: FKTN (fukutin; plus strand). Cytogenetic location: 9q31.2.
Variant type: single nucleotide variant.
Coding change: c.1225G>T on transcript NM_001079802.2 (MANE Select); coding-DNA position 1225, G replaced by T.
Protein change: p.Val409Phe; replaces valine 409 with phenylalanine.
Molecular consequence: missense variant. On other transcripts: 3 prime UTR variant (1), non-coding transcript variant (2).
Genome position (GRCh38, 1-based): chr9:105,635,103, G>T. VCF-style: chr9-105635103-G-T. GRCh37 (hg19) VCF-style: chr9-108397384-G-T.
Other names: c.1225G>T, p.Val409Phe (NM_001198963.2, NM_001351496.2, NM_006731.2); c.1156G>T, p.Val386Phe (NM_001351497.2); c.*17G>T (NM_001351498.2); c.829G>T, p.Val277Phe (NM_001351499.2, NM_001351500.2, NM_001351501.2 and 1 more transcripts); short protein forms V277F, V409F, V386F.
Identifiers: ClinVar variation 4842324 (VCV004842324.1).